The following is an entry in ClinVar:

ClinVar aggregate classification (germline): Likely benign (0 of 4 stars; one submission).

Conditions:
EFNB2-related disorder. Also called: EFNB2-related condition.

Allele frequency attached by ClinVar (database versions not stated): TOPMed 0.00003; gnomAD 0.00005; ESP Exome Variant Server 0.00008; ExAC 0.00015; 1000 Genomes Project 30x 0.00031; 1000 Genomes Project 0.00040.
gnomAD v4.1: 145 of 1,614,154 alleles (0.009%); highest among the groups gnomAD compares: East Asian, 0.074%; 1 homozygote.

Submission:

PreventionGenetics, part of Exact Sciences
Classification: Likely benign for EFNB2-related condition. Last evaluated: 2019-03-27. Review status: no assertion criteria provided. Collection method: clinical testing. Allele origin: germline.
Comment: This variant is classified as likely benign based on ACMG/AMP sequence variant interpretation guidelines (Richards et al. 2015 PMID: 25741868, with internal and published modifications).

NM_004093.4(EFNB2):c.783G>A (p.Pro261=)

Genes: EFNB2 (ephrin B2; minus strand), LOC126861841 (CDK7 strongly-dependent group 2 enhancer GRCh37_chr13:107145476-107146675; plus strand). Cytogenetic location: 13q33.3.
Variant type: single nucleotide variant.
Coding change: c.783G>A on transcript NM_004093.4 (MANE Select); coding-DNA position 783, G replaced by A.
Protein change: p.Pro261=; no amino-acid change (proline 261 retained).
Molecular consequence: synonymous variant.
Genome position (GRCh38, 1-based): chr13:106,493,259, C>T on the plus strand (G>A on the coding strand, the complement: EFNB2 is on the minus strand). VCF-style: chr13-106493259-C-T. GRCh37 (hg19) VCF-style: chr13-107145607-C-T.
Other names: c.690G>A, p.Pro230= (NM_001372056.1); c.669G>A, p.Pro223= (NM_001372057.1).
Identifiers: ClinVar variation 3058611 (VCV003058611.2), dbSNP rs141519659, ClinGen allele CA7042670.
Genomic context (GRCh38, chr13:106,493,259, plus strand): 5'-GTTGTTGCCGCTGCGCTTGGGTGTGGCCAGTGTGCTGAGCGACAGCGTGGTCGTGTGCTG[C>T]GGCGAGTGCTTCCTGTGTCTCCTCCGGTACTTCAGCAAGAGGACCACCAGCGTGATGATG-3'
Protein context (NP_004084.1, residues 251-271): KYRRRHRKHS[Pro261=]QHTTTLSLST